The following is an entry in ClinVar:

ClinVar aggregate classification (germline): Likely benign (1 of 4 stars; one submission).

Conditions:
PLEC-related disorder. Also called: PLEC-related disorders; PLEC-related condition.

Submission:

PreventionGenetics, part of Exact Sciences
Classification: Likely benign for PLEC-related condition. Last evaluated: 2026-02-25. Review status: criteria provided, single submitter. Criteria: ACMG Guidelines, 2015. Collection method: clinical testing. Allele origin: germline.
Comment: This variant is classified as likely benign based on ACMG/AMP sequence variant interpretation guidelines (Richards et al. 2015 PMID: 25741868, with internal and published modifications).

NM_201384.3(PLEC):c.3135C>G (p.Ala1045=)

Gene: PLEC (plectin; minus strand). Cytogenetic location: 8q24.3.
Variant type: single nucleotide variant.
Coding change: c.3135C>G on transcript NM_201384.3 (MANE Select); coding-DNA position 3135, C replaced by G.
Protein change: p.Ala1045=; no amino-acid change (alanine 1045 retained).
Molecular consequence: synonymous variant.
Genome position (GRCh38, 1-based): chr8:143,929,228, G>C on the plus strand (C>G on the coding strand, the complement: PLEC is on the minus strand). VCF-style: chr8-143929228-G-C. GRCh37 (hg19) VCF-style: chr8-145003396-G-C.
Other names: c.3216C>G, p.Ala1072= (NM_000445.5, NM_001410941.1); c.3093C>G, p.Ala1031= (NM_201378.4); c.3069C>G, p.Ala1023= (NM_201379.3); c.3546C>G, p.Ala1182= (NM_201380.4); c.3039C>G, p.Ala1013= (NM_201381.3); c.3135C>G, p.Ala1045= (NM_201382.4); c.3147C>G, p.Ala1049= (NM_201383.3).
Identifiers: ClinVar variation 4995250 (VCV004995250.1).
Genomic context (GRCh38, chr8:143,929,228, plus strand): 5'-CGAGCGCAGCGTGGGGGCCGCAGGCGATGGCTCTGGTAGGGCCAAGACCTTCTCGGCCTC[G>C]GCAGAGAGCCGGGCGACCCCCTTGCCCAGCCCCTCCACCTCTGCCTGTGCCTTCTGCAAA-3'
Protein context (NP_958786.1, residues 1035-1055): GLGKGVARLS[Ala1045=]EAEKVLALPE